The following is an entry in ClinVar:

ClinVar aggregate classification (germline): Pathogenic. Review status: criteria provided, multiple submitters, no conflicts (2 of 4 stars). 7 submissions from 7 submitters: Pathogenic (6). 1 of the submissions does not count toward it. Last evaluated 2024-06-05.

Conditions:
Hereditary cancer-predisposing syndrome. Also called: Hereditary neoplastic syndrome; Neoplastic Syndromes, Hereditary; Tumor predisposition; Hereditary Cancer Syndrome. Identifiers: Orphanet 140162, MedGen C0027672, MeSH D009386, MONDO:0015356.
Neurofibromatosis, type 2 (SWNV). Also called: NF2-Related Schwannomatosis; BILATERAL ACOUSTIC NEUROFIBROMATOSIS; SCHWANNOMATOSIS, VESTIBULAR. Identifiers: Orphanet 637, MedGen C0027832, MONDO:0007039, OMIM 101000. Disease mechanism: loss of function.

Submissions (7):

Labcorp Genetics (formerly Invitae), Labcorp
Classification: Pathogenic for Neurofibromatosis, type 2. Last evaluated: 2024-06-05. Review status: criteria provided, single submitter. Criteria: Invitae Variant Classification Sherloc (09022015). Collection method: clinical testing. Allele origin: germline.
Comment: This sequence change creates a premature translational stop signal (p.Arg341*) in the NF2 gene. It is expected to result in an absent or disrupted protein product. Loss-of-function variants in NF2 are known to be pathogenic (PMID: 9643284, 16983642). This variant is not present in population databases (gnomAD no frequency). This premature translational stop signal has been observed in individual(s) with neurofibromatosis type 2 (PMID: 7913580, 8379998, 11809806, 12566519, 21671232). Invitae’s NF2-related schwannomatosis clinical variant model, which takes into account the clinical and family history, age, sex, and reported ancestry of multiple individuals with this NF2 variant, predicts that it is pathogenic with a positive predictive value of at least 99%. This is a validated machine learning model developed at Invitae that incorporates the clinical features of 10,624 individuals referred for testing at Invitae. ClinVar contains an entry for this variant (Variation ID: 3292). For these reasons, this variant has been classified as Pathogenic.

Institute for Genomic Medicine (IGM) Clinical Laboratory, Nationwide Children's Hospital
Classification: Pathogenic for Neurofibromatosis, type 2. Last evaluated: 2023-06-14. Review status: criteria provided, single submitter. Criteria: ACMG Guidelines, 2015. Collection method: clinical testing. Allele origin: germline.
Comment: This variant is predicted to result in loss of function through nonsense-mediated decay of the encoded transcript or premature truncation of the encoded protein in a gene in which loss of function is a known mechanism of disease (ACMG/AMP: PVS1; PMIDs:9643284, 16983642). This variant has been reported at an elevated frequency in affected individuals/in multiple affected individuals in the literature (ACMG/AMP: PS4; PMIDs:7913580, 11809806, 12566519, 21671232). This variant is absent from or present at an exceedingly low frequency in gnomAD, a large-scale control population database (ACMG/AMP: PM2).

Ambry Genetics
Classification: Pathogenic for Hereditary cancer-predisposing syndrome. Last evaluated: 2023-06-13. Review status: criteria provided, single submitter. Criteria: Ambry Variant Classification Scheme 2023. Collection method: clinical testing. Allele origin: germline.
Comment: The p.R341* pathogenic mutation (also known as c.1021C>T), located in coding exon 11 of the NF2 gene, results from a C to T substitution at nucleotide position 1021. This changes the amino acid from an arginine to a stop codon within coding exon 11. This variant is considered to be rare based on population cohorts in the Genome Aggregation Database (gnomAD). This alteration has been observed in at least one individual with a personal and/or family history that is consistent with NF2-related disease (Ambry internal data). This mutation has been identified in multiple patients meeting diagnostic criteria for neurofibromatosis type 2 (Walter J et al. Clin Neurol Neurosurg, 2009 Jun;111:454-9; Pemov A et al. Sci Rep, 2020 Jul;10:12563). In addition to the clinical data presented in the literature, this alteration is expected to result in loss of function by premature protein truncation or nonsense-mediated mRNA decay. As such, this alteration is interpreted as a disease-causing mutation.

GeneDx
Classification: Pathogenic. Last evaluated: 2023-03-07. Review status: criteria provided, single submitter. Criteria: GeneDx Variant Classification Process June 2021. Collection method: clinical testing. Allele origin: germline. Affected: yes.
Comment: Nonsense variant predicted to result in protein truncation or nonsense mediated decay in a gene for which loss of function is a known mechanism of disease; Not observed at significant frequency in large population cohorts (gnomAD); This variant is associated with the following publications: (PMID: 11809806, 15609345, 25525159, 8379998, 19234911, 9643284, 29130639, 12566519, 21671232, 7913580, 10790209, 7717450, 16630136, 30325044, 31273341, 32724039, 16983642, 33067351, 19249154)

Genome-Nilou Lab
Classification: Pathogenic for Neurofibromatosis, type 2. Last evaluated: 2021-11-07. Review status: criteria provided, single submitter. Criteria: ACMG Guidelines, 2015. Collection method: clinical testing. Allele origin: germline. Affected: no.

Center for Human Genetics, Inc
Classification: Pathogenic for Neurofibromatosis, type 2. Last evaluated: 2016-11-01. Review status: criteria provided, single submitter. Criteria: ACMG Guidelines, 2015. Collection method: clinical testing. Allele origin: germline. Affected: yes.

OMIM
Classification: Pathogenic for SHWANNOMATOSIS, VESTIBULAR. Last evaluated: 1994-08-01. Review status: no assertion criteria provided. Collection method: literature only. Allele origin: germline. Not counted in ClinVar's aggregate classification.

Literature cited by the submitters: PubMed 9643284 (cited by Labcorp Genetics (formerly Invitae), Labcorp and Institute for Genomic Medicine (IGM) Clinical Laboratory, Nationwide Children's Hospital); PubMed 16983642 (cited by Labcorp Genetics (formerly Invitae), Labcorp and Institute for Genomic Medicine (IGM) Clinical Laboratory, Nationwide Children's Hospital); PubMed 7913580 (cited by 3 submitters); PubMed 8379998 (cited by Labcorp Genetics (formerly Invitae), Labcorp); PubMed 11809806 (cited by Labcorp Genetics (formerly Invitae), Labcorp and Institute for Genomic Medicine (IGM) Clinical Laboratory, Nationwide Children's Hospital); PubMed 12566519 (cited by Labcorp Genetics (formerly Invitae), Labcorp and Institute for Genomic Medicine (IGM) Clinical Laboratory, Nationwide Children's Hospital); PubMed 21671232 (cited by Labcorp Genetics (formerly Invitae), Labcorp and Institute for Genomic Medicine (IGM) Clinical Laboratory, Nationwide Children's Hospital); PubMed 19249154 (cited by Ambry Genetics); PubMed 32724039 (cited by Ambry Genetics).

NM_000268.4(NF2):c.1021C>T (p.Arg341Ter)

Gene: NF2 (NF2, moesin-ezrin-radixin like (MERLIN) tumor suppressor; plus strand). Cytogenetic location: 22q12.2.
Variant type: single nucleotide variant.
Coding change: c.1021C>T on transcript NM_000268.4 (MANE Select); coding-DNA position 1021, C replaced by T.
Protein change: p.Arg341Ter; replaces arginine 341 with a stop codon.
Molecular consequence: nonsense. On other transcripts: non-coding transcript variant (1), intron variant (1).
Genome position (GRCh38, 1-based): chr22:29,671,847, C>T. VCF-style: chr22-29671847-C-T. GRCh37 (hg19) VCF-style: chr22-30067836-C-T.
Other names: c.1021C>T, p.Arg341Ter (NM_016418.5, NM_181825.3, NM_181832.3); c.895C>T, p.Arg299Ter (NM_181828.3); c.898C>T, p.Arg300Ter (NM_181829.3); c.772C>T, p.Arg258Ter (NM_181830.3, NM_181831.3); c.448-22905C>T (NM_181833.3); short protein forms R341*, R300*, R258*, R299*.
Identifiers: ClinVar variation 3292 (VCV000003292.21), dbSNP rs74315499, ClinGen allele CA021277.